The following is an entry in ClinVar:

ClinVar aggregate classification (germline): Uncertain significance. Review status: criteria provided, multiple submitters, no conflicts (2 of 4 stars). 2 submissions from 2 submitters: Uncertain significance (2). Last evaluated 2024-10-16.

Conditions:
Holocarboxylase synthetase deficiency. Also called: MULTIPLE CARBOXYLASE DEFICIENCY, EARLY ONSET. Identifiers: Orphanet 79242, MedGen C0268581, MONDO:0009666, OMIM 253270.

gnomAD v4.1: 37 of 1,614,022 alleles (0.0023%); highest among the groups gnomAD compares: South Asian, 0.034%; no homozygotes.

Submissions (2):

Blueprint Genetics
Classification: Uncertain significance. Last evaluated: 2024-10-16. Review status: criteria provided, single submitter. Criteria: ACMG Guidelines, 2015. Collection method: clinical testing. Allele origin: germline.

Labcorp Genetics (formerly Invitae), Labcorp
Classification: Uncertain significance for Holocarboxylase synthetase deficiency. Last evaluated: 2022-03-16. Review status: criteria provided, single submitter. Criteria: Invitae Variant Classification Sherloc (09022015). Collection method: clinical testing. Allele origin: germline.
Comment: This sequence change replaces glycine, which is neutral and non-polar, with tryptophan, which is neutral and slightly polar, at codon 325 of the HLCS protein (p.Gly325Trp). This variant is present in population databases (rs748444836, gnomAD 0.02%). This variant has not been reported in the literature in individuals affected with HLCS-related conditions. Advanced modeling of protein sequence and biophysical properties (such as structural, functional, and spatial information, amino acid conservation, physicochemical variation, residue mobility, and thermodynamic stability) performed at Invitae indicates that this missense variant is expected to disrupt HLCS protein function. In summary, the available evidence is currently insufficient to determine the role of this variant in disease. Therefore, it has been classified as a Variant of Uncertain Significance.

NM_001352514.2(HLCS):c.1414G>T (p.Gly472Trp)

Gene: HLCS (holocarboxylase synthetase; minus strand). Cytogenetic location: 21q22.13.
Variant type: single nucleotide variant.
Coding change: c.1414G>T on transcript NM_001352514.2 (MANE Select); coding-DNA position 1414, G replaced by T.
Protein change: p.Gly472Trp; replaces glycine 472 with tryptophan.
Molecular consequence: missense variant. On other transcripts: non-coding transcript variant (2).
Genome position (GRCh38, 1-based): chr21:36,936,472, C>A on the plus strand (G>T on the coding strand, the complement: HLCS is on the minus strand). VCF-style: chr21-36936472-C-A. GRCh37 (hg19) VCF-style: chr21-38308772-C-A.
Other names: c.973G>T, p.Gly325Trp (NM_000411.8, NM_001242784.3, NM_001242785.2 and 4 more transcripts); short protein forms G325W, G472W.
Identifiers: ClinVar variation 2146762 (VCV002146762.2), dbSNP rs748444836, ClinGen allele CA10020578.